The following is an entry in ClinVar:

NM_004539.4(NARS1):c.376C>T (p.Gln126Ter)

Gene: NARS1 (asparaginyl-tRNA synthetase 1; minus strand). Cytogenetic location: 18q21.31.
Variant type: single nucleotide variant.
Coding change: c.376C>T on transcript NM_004539.4 (MANE Select); coding-DNA position 376, C replaced by T.
Protein change: p.Gln126Ter; replaces glutamine 126 with a stop codon.
Molecular consequence: nonsense.
Genome position (GRCh38, 1-based): chr18:57,613,647, G>A on the plus strand (C>T on the coding strand, the complement: NARS1 is on the minus strand). VCF-style: chr18-57613647-G-A. GRCh37 (hg19) VCF-style: chr18-55280879-G-A.
Other names: short protein forms Q126*.
Identifiers: ClinVar variation 4814143 (VCV004814143.1).

ClinVar aggregate classification (germline): Likely pathogenic (1 of 4 stars; one submission).

Conditions:
Neurodevelopmental disorder with microcephaly, impaired language, epilepsy, and gait abnormalities. Identifiers: MedGen C5436788, MONDO:0030837, OMIM 619092.

Submission:

OLLIN Analises Genomicas, OLLIN
Classification: Likely pathogenic for Neurodevelopmental disorder with microcephaly, impaired language, epilepsy, and gait abnormalities. Last evaluated: 2025-05-19. Review status: criteria provided, single submitter. Criteria: ACMG Guidelines 2015 PMID 25741868. Collection method: clinical testing. Allele origin: germline. Affected: yes. Observed: 1 variant allele.
Comment: The nonsense variant (chr18:57613647G>A), located in exon 5 (of 14), is not reported in the gnomAD v4.1 non-UKB or ClinVar databases, nor has it been found in the scientific literature. This variant introduces a premature stop codon, resulting in a truncated protein or mRNA degradation via nonsense-mediated decay (NMD). Based on currently available evidence, this variant has been classified as likely pathogenic (PVS1, PM2_P).